The following is an entry in ClinVar:

ClinVar aggregate classification (germline): Pathogenic (1 of 4 stars; one submission).

Conditions:
LAMA2-related muscular dystrophy (LAMA2-RD). Also called: Laminin alpha 2-related dystrophy. Identifiers: MedGen C5679788, MONDO:0100228.

Submission:

Labcorp Genetics (formerly Invitae), Labcorp
Classification: Pathogenic for LAMA2-related muscular dystrophy. Last evaluated: 2023-11-28. Review status: criteria provided, single submitter. Criteria: Invitae Variant Classification Sherloc (09022015). Collection method: clinical testing. Allele origin: unknown.
Comment: This variant is a gross deletion of the genomic region encompassing exon(s) 2-4 of the LAMA2 gene. This deletion is out-of-frame, and is expected to create a premature termination codon and result in an absent or disrupted protein product. Loss-of-function variants in LAMA2 are known to be pathogenic (PMID: 18700894, 32904964). This variant has not been reported in the literature in individuals affected with LAMA2-related conditions. For these reasons, this variant has been classified as Pathogenic.

Literature cited by the submitters: PubMed 18700894; PubMed 32904964.

NC_000006.11:g.(?_129371043)_(129419580_?)del

Gene: LAMA2 (laminin subunit alpha 2; plus strand). Cytogenetic location: 6q22.33.
Variant type: Deletion.
Identifiers: ClinVar variation 3246056 (VCV003246056.1).